The following is an entry in ClinVar:

ClinVar aggregate classification (germline): Uncertain significance (1 of 4 stars; one submission).

Conditions:
Nemaline myopathy 2 (NEM2). Also called: Nemaline myopathy 2, autosomal recessive. Identifiers: MedGen C1850569, MONDO:0009725, OMIM 256030.

Submission:

Labcorp Genetics (formerly Invitae), Labcorp
Classification: Uncertain significance for Nemaline myopathy 2. Last evaluated: 2021-06-05. Review status: criteria provided, single submitter. Criteria: Invitae Variant Classification Sherloc (09022015). Collection method: clinical testing. Allele origin: germline.
Comment: This sequence change replaces glutamic acid with aspartic acid at codon 6268 of the NEB protein (p.Glu6268Asp). The glutamic acid residue is moderately conserved and there is a small physicochemical difference between glutamic acid and aspartic acid. This variant is not present in population databases (ExAC no frequency). This variant has not been reported in the literature in individuals with NEB-related conditions. Algorithms developed to predict the effect of missense changes on protein structure and function are either unavailable or do not agree on the potential impact of this missense change (SIFT: "Deleterious"; PolyPhen-2: "Not Available"; Align-GVGD: "Class C0"). In summary, the available evidence is currently insufficient to determine the role of this variant in disease. Therefore, it has been classified as a Variant of Uncertain Significance.

NM_001164508.2(NEB):c.18804G>C (p.Glu6268Asp)

Gene: NEB (nebulin; minus strand). Cytogenetic location: 2q23.3.
Variant type: single nucleotide variant.
Coding change: c.18804G>C on transcript NM_001164508.2 (MANE Select); coding-DNA position 18804, G replaced by C.
Protein change: p.Glu6268Asp; replaces glutamic acid 6268 with aspartic acid.
Molecular consequence: missense variant.
Genome position (GRCh38, 1-based): chr2:151,562,698, C>G on the plus strand (G>C on the coding strand, the complement: NEB is on the minus strand). VCF-style: chr2-151562698-C-G. GRCh37 (hg19) VCF-style: chr2-152419212-C-G.
Other names: c.18804G>C, p.Glu6268Asp (NM_001164507.2, NM_001271208.2); c.13701G>C, p.Glu4567Asp (NM_004543.5); short protein forms E6268D, E4567D.
Identifiers: ClinVar variation 1953487 (VCV001953487.2), dbSNP rs1577663381, ClinGen allele CA348797837.
Genomic context (GRCh38, chr2:151,562,698, plus strand): 5'-GACGCGTATAACATTGGGTTCTTCCAGAAGAGACGTCCACTGGTGGAAATAGTGTCGATA[C>G]TCCAGGTCACTGAGGATGTACTGGCACCTTTTAGCCAGCACGTGATTCATCATGTCATTG-3'
Protein context (NP_001157980.2, residues 6258-6278): KRCQYILSDL[Glu6268Asp]YRHYFHQWTS